The following is an entry in ClinVar:

ClinVar aggregate classification (germline): Uncertain significance. Review status: criteria provided, multiple submitters, no conflicts (2 of 4 stars). 4 submissions from 4 submitters: Uncertain significance (3). 1 of the submissions does not count toward it. Last evaluated 2024-01-09.

Conditions:
Bardet-Biedl syndrome (BBS). Identifiers: Orphanet 110, MedGen C0752166, MONDO:0015229.
Bardet-Biedl syndrome 9 (BBS9). Identifiers: Orphanet 110, MedGen C1859567, MONDO:0014437, OMIM 615986.
BBS9-related disorder. Also called: BBS9-related condition.

gnomAD v4.1: 23 of 1,613,228 alleles (0.0014%); highest among the groups gnomAD compares: East Asian, 0.049%; no homozygotes.

Submissions (4):

Fulgent Genetics
Classification: Uncertain significance for Bardet-Biedl syndrome 9. Last evaluated: 2024-01-09. Review status: criteria provided, single submitter. Criteria: ACMG Guidelines, 2015. Collection method: clinical testing. Allele origin: germline.

Labcorp Genetics (formerly Invitae), Labcorp
Classification: Uncertain significance for Bardet-Biedl syndrome. Last evaluated: 2022-07-09. Review status: criteria provided, single submitter. Criteria: Invitae Variant Classification Sherloc (09022015). Collection method: clinical testing. Allele origin: germline.
Comment: This sequence change replaces arginine, which is basic and polar, with serine, which is neutral and polar, at codon 7 of the BBS9 protein (p.Arg7Ser). This variant is present in population databases (rs184994140, gnomAD 0.05%). This variant has not been reported in the literature in individuals affected with BBS9-related conditions. Algorithms developed to predict the effect of missense changes on protein structure and function (SIFT, PolyPhen-2, Align-GVGD) all suggest that this variant is likely to be disruptive. In summary, the available evidence is currently insufficient to determine the role of this variant in disease. Therefore, it has been classified as a Variant of Uncertain Significance.

Blueprint Genetics
Classification: Uncertain significance. Last evaluated: 2021-11-16. Review status: criteria provided, single submitter. Criteria: ACMG Guidelines, 2015. Collection method: clinical testing. Allele origin: germline.

PreventionGenetics, part of Exact Sciences
Classification: Uncertain significance for BBS9-related condition. Last evaluated: 2023-11-10. Review status: no assertion criteria provided. Collection method: clinical testing. Allele origin: germline. Not counted in ClinVar's aggregate classification.
Comment: The BBS9 c.19C>A variant is predicted to result in the amino acid substitution p.Arg7Ser. To our knowledge, this variant has not been reported in the literature. This variant is reported in 0.049% of alleles in individuals of East Asian descent in gnomAD. At this time, the clinical significance of this variant is uncertain due to the absence of conclusive functional and genetic evidence.

NM_198428.3(BBS9):c.19C>A (p.Arg7Ser)

Gene: BBS9 (Bardet-Biedl syndrome 9; plus strand). Cytogenetic location: 7p14.3.
Variant type: single nucleotide variant.
Coding change: c.19C>A on transcript NM_198428.3 (MANE Select); coding-DNA position 19, C replaced by A.
Protein change: p.Arg7Ser; replaces arginine 7 with serine.
Molecular consequence: missense variant. On other transcripts: 5 prime UTR variant (3), non-coding transcript variant (3), intron variant (4).
Genome position (GRCh38, 1-based): chr7:33,146,271, C>A. VCF-style: chr7-33146271-C-A. GRCh37 (hg19) VCF-style: chr7-33185883-C-A.
Other names: c.19C>A (NM_198428.2); c.19C>A, p.Arg7Ser (NM_001033604.2, NM_001033605.2, NM_001348036.1 and 7 more transcripts); c.-283C>A (NM_001348037.3); c.-259C>A (NM_001348038.3, NM_001348039.3); c.-23-6430C>A (NM_001348042.3); c.-189-6430C>A (NM_001348045.3); c.-39+16230C>A (NM_001348046.3, NM_001348044.3); short protein forms R7S.
Identifiers: ClinVar variation 1963991 (VCV001963991.6), dbSNP rs184994140, ClinGen allele CA4213850.